The following is an entry in ClinVar:

ClinVar aggregate classification (germline): Uncertain significance. Review status: criteria provided, multiple submitters, no conflicts (2 of 4 stars). 3 submissions from 3 submitters: Uncertain significance (3). Last evaluated 2023-05-08.

Conditions:
Hereditary cancer-predisposing syndrome. Also called: Neoplastic Syndromes, Hereditary; Tumor predisposition; Hereditary Cancer Syndrome; Hereditary neoplastic syndrome. Identifiers: Orphanet 140162, MedGen C0027672, MeSH D009386, MONDO:0015356.
Familial adenomatous polyposis 1 (FAP1). Also called: FAMILIAL ADENOMATOUS POLYPOSIS 1, ATTENUATED; POLYPOSIS, ADENOMATOUS INTESTINAL. Identifiers: MedGen C2713442, MONDO:0021056, OMIM 175100. Disease mechanism: loss of function.

Submissions (3):

Labcorp Genetics (formerly Invitae), Labcorp
Classification: Uncertain significance for Familial adenomatous polyposis 1. Last evaluated: 2023-05-08. Review status: criteria provided, single submitter. Criteria: Invitae Variant Classification Sherloc (09022015). Collection method: clinical testing. Allele origin: germline.
Comment: In summary, the available evidence is currently insufficient to determine the role of this variant in disease. Therefore, it has been classified as a Variant of Uncertain Significance. Advanced modeling of protein sequence and biophysical properties (such as structural, functional, and spatial information, amino acid conservation, physicochemical variation, residue mobility, and thermodynamic stability) performed at Invitae indicates that this missense variant is not expected to disrupt APC protein function. ClinVar contains an entry for this variant (Variation ID: 921338). This variant has not been reported in the literature in individuals affected with APC-related conditions. This variant is not present in population databases (gnomAD no frequency). This sequence change replaces aspartic acid, which is acidic and polar, with asparagine, which is neutral and polar, at codon 1016 of the APC protein (p.Asp1016Asn).

Ambry Genetics
Classification: Uncertain significance for Hereditary cancer-predisposing syndrome. Last evaluated: 2021-06-03. Review status: criteria provided, single submitter. Criteria: Ambry Variant Classification Scheme 2023. Collection method: clinical testing. Allele origin: germline.
Comment: The p.D1016N variant (also known as c.3046G>A), located in coding exon 15 of the APC gene, results from a G to A substitution at nucleotide position 3046. The aspartic acid at codon 1016 is replaced by asparagine, an amino acid with highly similar properties. This amino acid position is highly conserved in available vertebrate species. In addition, in silico predictors for this gene do not accurately predict pathogenicity. Since supporting evidence is limited at this time, the clinical significance of this alteration remains unclear.

Color Diagnostics, LLC DBA Color Health
Classification: Uncertain significance for Hereditary cancer-predisposing syndrome. Last evaluated: 2019-02-13. Review status: criteria provided, single submitter. Criteria: ACMG Guidelines, 2015. Collection method: clinical testing. Allele origin: germline.

NM_000038.6(APC):c.3046G>A (p.Asp1016Asn)

Gene: APC (APC regulator of Wnt signaling pathway; plus strand). Cytogenetic location: 5q22.2.
Variant type: single nucleotide variant.
Coding change: c.3046G>A on transcript NM_000038.6 (MANE Select); coding-DNA position 3046, G replaced by A.
Protein change: p.Asp1016Asn; replaces aspartic acid 1016 with asparagine.
Molecular consequence: missense variant.
Genome position (GRCh38, 1-based): chr5:112,838,640, G>A. VCF-style: chr5-112838640-G-A. GRCh37 (hg19) VCF-style: chr5-112174337-G-A.
Other names: c.3046G>A, p.Asp1016Asn (NM_001127510.3, NM_001354895.2); c.2992G>A, p.Asp998Asn (NM_001127511.3); c.3100G>A, p.Asp1034Asn (NM_001354896.2); c.3076G>A, p.Asp1026Asn (NM_001354897.2); c.2971G>A, p.Asp991Asn (NM_001354898.2); c.2962G>A, p.Asp988Asn (NM_001354899.2); c.2923G>A, p.Asp975Asn (NM_001354900.2); c.2869G>A, p.Asp957Asn (NM_001354901.2); and 5 more; short protein forms D1034N, D890N, D1026N, D915N, D925N, D957N, D975N, D1016N.
Identifiers: ClinVar variation 921338 (VCV000921338.14), dbSNP rs1765323229, ClinGen allele CA16028000.